The following is an entry in ClinVar:

NM_001042413.2(GLIS3):c.*3409G>A

Gene: GLIS3 (GLIS family zinc finger 3; minus strand). Cytogenetic location: 9p24.2.
Variant type: single nucleotide variant.
Coding change: c.*3409G>A on transcript NM_001042413.2 (MANE Select); 3409 bases downstream of the stop codon, G replaced by A.
Molecular consequence: 3 prime UTR variant.
Genome position (GRCh38, 1-based): chr9:3,824,863, C>T on the plus strand (G>A on the coding strand, the complement: GLIS3 is on the minus strand). VCF-style: chr9-3824863-C-T. GRCh37 (hg19) VCF-style: chr9-3824863-C-T.
Other names: c.*3409G>A (NM_152629.4).
Identifiers: ClinVar variation 366886 (VCV000366886.5), dbSNP rs115222174, ClinGen allele CA10627334.
Genomic context (GRCh38, chr9:3,824,863, plus strand): 5'-AAAGTGCTTTATGTCAGCAACATTACACAGGATACTTTGCTGTCTGTACAAAATAAATCT[C>T]TTTTTACACTCACTATTTCTCCAATGAGTGCTTTTTTTTTTTTGCTTCATCTGTTGCAAA-3'

ClinVar aggregate classification (germline): Benign (1 of 4 stars; one submission).

Conditions:
Neonatal diabetes mellitus with congenital hypothyroidism. Also called: NDH SYNDROME. Identifiers: Orphanet 79118, MedGen C1857775, MONDO:0012436, OMIM 610199.

Allele frequency attached by ClinVar (database versions not stated): gnomAD 0.04957 and 0.05308; TOPMed 0.05588; 1000 Genomes Project 0.05711; 1000 Genomes Project 30x 0.06121.

Submission:

Illumina Laboratory Services, Illumina
Classification: Benign for Neonatal diabetes mellitus with congenital hypothyroidism. Last evaluated: 2018-01-12. Review status: criteria provided, single submitter. Criteria: ICSL Variant Classification Criteria 13 December 2019. Collection method: clinical testing. Allele origin: germline.
Comment: This variant was observed in the ICSL laboratory as part of a predisposition screen in an ostensibly healthy population. It had not been previously curated by ICSL or reported in the Human Gene Mutation Database (HGMD: prior to June 1st, 2018), and was therefore a candidate for classification through an automated scoring system. Utilizing variant allele frequency, disease prevalence and penetrance estimates, and inheritance mode, an automated score was calculated to assess if this variant is too frequent to cause the disease. Based on the score and internal cut-off values, a variant classified as benign is not then subjected to further curation. The score for this variant resulted in a classification of benign for this disease.